The following is an entry in ClinVar:

ClinVar aggregate classification (germline): Likely benign (1 of 4 stars; one submission).

Conditions:
BLVRA-related disorder. Also called: BLVRA-related condition.

gnomAD v4.1: 217 of 1,602,322 alleles (0.014%); highest among the groups gnomAD compares: African/African-American, 0.26%; 1 homozygote.

Submission:

PreventionGenetics, part of Exact Sciences
Classification: Likely benign for BLVRA-related condition. Last evaluated: 2026-03-24. Review status: criteria provided, single submitter. Criteria: ACMG Guidelines, 2015. Collection method: clinical testing. Allele origin: germline.
Comment: This variant is classified as likely benign based on ACMG/AMP sequence variant interpretation guidelines (Richards et al. 2015 PMID: 25741868, with internal and published modifications).

NM_000712.4(BLVRA):c.*10G>A

Gene: BLVRA (biliverdin reductase A; plus strand). Cytogenetic location: 7p13.
Variant type: single nucleotide variant.
Coding change: c.*10G>A on transcript NM_000712.4 (MANE Select); 10 bases downstream of the stop codon, G replaced by A.
Molecular consequence: 3 prime UTR variant.
Genome position (GRCh38, 1-based): chr7:43,807,245, G>A. VCF-style: chr7-43807245-G-A. GRCh37 (hg19) VCF-style: chr7-43846844-G-A.
Other names: c.*10G>A (NM_001253823.2).
Identifiers: ClinVar variation 4979341 (VCV004979341.1).
Genomic context (GRCh38, chr7:43,807,245, plus strand): 5'-TGCCTGGGGCTTGCAGAAGAAATCCAGAAATATTGCTGTTCAAGGAAGTAAGAGGAGGAG[G>A]TGATGTAGCACTTCCAAGATGGCACCAGCATTTGGTTCTTCTCAAGAGTTGACCATTATC-3'